The following is an entry in ClinVar:

ClinVar aggregate classification (germline): Uncertain significance (1 of 4 stars; one submission).

Conditions:
Charcot-Marie-Tooth disease axonal type 2O. Also called: CHARCOT-MARIE-TOOTH NEUROPATHY, AXONAL, TYPE 2O; CHARCOT-MARIE-TOOTH DISEASE, AXONAL, AUTOSOMAL DOMINANT, TYPE 2O; Charcot-Marie-Tooth disease, axonal, type 20; Charcot-Marie-Tooth Neuropathy Type 2O. Identifiers: Orphanet 284232, MedGen C3280220, MONDO:0013644, OMIM 614228.

Submission:

Labcorp Genetics (formerly Invitae), Labcorp
Classification: Uncertain significance for Charcot-Marie-Tooth disease axonal type 2O. Last evaluated: 2021-12-31. Review status: criteria provided, single submitter. Criteria: Invitae Variant Classification Sherloc (09022015). Collection method: clinical testing. Allele origin: germline.
Comment: In summary, the available evidence is currently insufficient to determine the role of this variant in disease. Therefore, it has been classified as a Variant of Uncertain Significance. Advanced modeling of protein sequence and biophysical properties (such as structural, functional, and spatial information, amino acid conservation, physicochemical variation, residue mobility, and thermodynamic stability) performed at Invitae indicates that this missense variant is not expected to disrupt DYNC1H1 protein function. This variant has not been reported in the literature in individuals affected with DYNC1H1-related conditions. This variant is not present in population databases (gnomAD no frequency). This sequence change replaces leucine, which is neutral and non-polar, with phenylalanine, which is neutral and non-polar, at codon 3973 of the DYNC1H1 protein (p.Leu3973Phe).

NM_001376.5(DYNC1H1):c.11917C>T (p.Leu3973Phe)

Gene: DYNC1H1 (dynein cytoplasmic 1 heavy chain 1; plus strand). Cytogenetic location: 14q32.31.
Variant type: single nucleotide variant.
Coding change: c.11917C>T on transcript NM_001376.5 (MANE Select); coding-DNA position 11917, C replaced by T.
Protein change: p.Leu3973Phe; replaces leucine 3973 with phenylalanine.
Molecular consequence: missense variant.
Genome position (GRCh38, 1-based): chr14:102,040,649, C>T. VCF-style: chr14-102040649-C-T. GRCh37 (hg19) VCF-style: chr14-102506986-C-T.
Other names: short protein forms L3973F.
Identifiers: ClinVar variation 2068003 (VCV002068003.4), dbSNP rs2503851805, ClinGen allele CA391037375.